The following is an entry in ClinVar:

ClinVar aggregate classification (germline): Uncertain significance (1 of 4 stars; one submission).

Conditions:
5-Oxoprolinase deficiency (OPLAHD). Also called: 5-OXOPROLINURIA DUE TO 5-OXOPROLINASE DEFICIENCY. Identifiers: Orphanet 33572, MedGen C0268525, MONDO:0009825, OMIM 260005, HP:0040142.

Submission:

Labcorp Genetics (formerly Invitae), Labcorp
Classification: Uncertain significance for 5-Oxoprolinase deficiency. Last evaluated: 2024-05-10. Review status: criteria provided, single submitter. Criteria: Invitae Variant Classification Sherloc (09022015). Collection method: clinical testing. Allele origin: germline.
Comment: This sequence change replaces arginine, which is basic and polar, with proline, which is neutral and non-polar, at codon 627 of the OPLAH protein (p.Arg627Pro). This variant is not present in population databases (gnomAD no frequency). This variant has not been reported in the literature in individuals affected with OPLAH-related conditions. Experimental studies and prediction algorithms are not available or were not evaluated, and the functional significance of this variant is currently unknown. In summary, the available evidence is currently insufficient to determine the role of this variant in disease. Therefore, it has been classified as a Variant of Uncertain Significance.

NM_017570.5(OPLAH):c.1880G>C (p.Arg627Pro)

Gene: OPLAH (5-oxoprolinase, ATP-hydrolysing; minus strand). Cytogenetic location: 8q24.3.
Variant type: single nucleotide variant.
Coding change: c.1880G>C on transcript NM_017570.5 (MANE Select); coding-DNA position 1880, G replaced by C.
Protein change: p.Arg627Pro; replaces arginine 627 with proline.
Molecular consequence: missense variant.
Genome position (GRCh38, 1-based): chr8:144,056,488, C>G on the plus strand (G>C on the coding strand, the complement: OPLAH is on the minus strand). VCF-style: chr8-144056488-C-G. GRCh37 (hg19) VCF-style: chr8-145111391-C-G.
Other names: short protein forms R627P.
Identifiers: ClinVar variation 3648696 (VCV003648696.2).
Genomic context (GRCh38, chr8:144,056,488, plus strand): 5'-TCGAGGCGAAGACCACTGCGGCCGGTGCCCCGCACTCGCACATCGTCCACGACCACCGGC[C>G]GCTCAGGTATGACAAAGCCAAACTCCCTCATGTACCTGCACTCCCCGCGGGGACCCAAGG-3'
Protein context (NP_060040.1, residues 617-637): MREFGFVIPE[Arg627Pro]PVVVDDVRVR